The following is an entry in ClinVar:

NM_000059.4(BRCA2):c.4170_4171del (p.Glu1391fs)

Gene: BRCA2 (BRCA2 DNA repair associated; plus strand). Cytogenetic location: 13q13.1.
Variant type: Deletion.
Coding change: c.4170_4171del on transcript NM_000059.4 (MANE Select); coding-DNA positions 4170 to 4171, 2 bases deleted (GG; older notation c.4170_4171delGG).
Protein change: p.Glu1391fs; shifts the reading frame from glutamic acid 1391.
Molecular consequence: frameshift variant.
Genome position (GRCh38, 1-based): chr13:32,338,525-32,338,526, GG deleted. VCF-style (leftmost placement, unchanged base first): chr13-32338524-TGG-T. GRCh37 (hg19) VCF-style: chr13-32912661-TGG-T.
Other names: c.4170_4171delGG (NM_000059.3); short protein forms E1391fs.
Identifiers: ClinVar variation 236863 (VCV000236863.7), dbSNP rs878853579, ClinGen allele CA10583100.

ClinVar aggregate classification (germline): Pathogenic. Review status: reviewed by expert panel (3 of 4 stars). 2 submissions from 2 submitters: Pathogenic (1). 1 of the submissions does not count toward it. Last evaluated 2017-12-15.

Conditions:
Hereditary breast ovarian cancer syndrome. Also called: Hereditary breast and ovarian cancer; Breast and ovarian cancer; BRCA1- and BRCA2-Associated Hereditary Breast and Ovarian Cancer; Hereditary breast and ovarian cancer syndrome; Hereditary breast and ovarian cancer syndrome (HBOC); Hereditary breast and/or ovarian cancer syndrome. Identifiers: Orphanet 145, MedGen C0677776, MeSH D061325, MONDO:0003582. Disease mechanism: loss of function.
Breast-ovarian cancer, familial, susceptibility to, 2 (BROVCA2). Also called: BRCA2 Hereditary Breast and Ovarian Cancer. Identifiers: Orphanet 145, MedGen C2675520, MONDO:0012933, OMIM 612555. Disease mechanism: loss of function.

Submissions (2):

Evidence-based Network for the Interpretation of Germline Mutant Alleles (ENIGMA)
Classification: Pathogenic for Breast-ovarian cancer, familial, susceptibility to, 2. Last evaluated: 2017-12-15. Review status: reviewed by expert panel. Criteria: ENIGMA BRCA1/2 Classification Criteria (2017-06-29). Collection method: curation. Allele origin: germline. Study: ENIGMA.
Comment: Variant allele predicted to encode a truncated non-functional protein.

Labcorp Genetics (formerly Invitae), Labcorp
Classification: Pathogenic for Hereditary breast ovarian cancer syndrome. Last evaluated: 2015-12-24. Review status: criteria provided, single submitter. Criteria: Invitae Variant Classification Sherloc (09022015). Collection method: clinical testing. Allele origin: germline. Not counted in ClinVar's aggregate classification.
Comment: This sequence change deletes 2 nucleotides from exon 11 of the BRCA2 mRNA (c.4170_4171delGG), causing a frameshift at codon 1391. This creates a premature translational stop signal (p.Glu1391Serfs*11) and is expected to result in an absent or disrupted protein product. While this particular variant has not been reported in the literature, truncating variants in BRCA2 are known to be pathogenic (PMID: 20104584). For these reasons, this variant has been classified as Pathogenic.

Literature cited by the submitters: PubMed 20104584 (cited by Labcorp Genetics (formerly Invitae), Labcorp).